The following is an entry in ClinVar:

NM_000350.3(ABCA4):c.3749T>C (p.Leu1250Pro)

Genes: ABCA4 (ATP binding cassette subfamily A member 4; minus strand), LOC126805794 (BRD4-independent group 4 enhancer GRCh37_chr1:94502188-94503387; plus strand). Cytogenetic location: 1p22.1.
Variant type: single nucleotide variant.
Coding change: c.3749T>C on transcript NM_000350.3 (MANE Select); coding-DNA position 3749, T replaced by C.
Protein change: p.Leu1250Pro; replaces leucine 1250 with proline.
Molecular consequence: missense variant.
Genome position (GRCh38, 1-based): chr1:94,037,209, A>G on the plus strand (T>C on the coding strand, the complement: ABCA4 is on the minus strand). VCF-style: chr1-94037209-A-G. GRCh37 (hg19) VCF-style: chr1-94502765-A-G.
Other names: c.3527T>C, p.Leu1176Pro (NM_001425324.1); short protein forms L1250P, L1176P.
Identifiers: ClinVar variation 99237 (VCV000099237.8), dbSNP rs61750128, ClinGen allele CA227132.

ClinVar aggregate classification (germline): Pathogenic/Likely pathogenic. Review status: criteria provided, multiple submitters, no conflicts (2 of 4 stars). 4 submissions from 4 submitters: Pathogenic (1); Likely pathogenic (2). 1 of the submissions does not count toward it. Last evaluated 2025-02-27.

Conditions:
Retinitis pigmentosa (RP). Identifiers: Orphanet 791, MedGen C0035334, MeSH D012174, MONDO:0019200, OMIM 268000. Inheritance: Autosomal dominant, autosomal recessive and X linked inheritance.
ABCA4-related disorder. Also called: ABCA4-related disorders; ABCA4-related condition. Identifiers: MedGen CN239167.

Allele frequency attached by ClinVar (database versions not stated): gnomAD exomes below 0.00001; TOPMed below 0.00001.
gnomAD v4.1: 1 of 1,614,232 alleles (0.000062%); highest among the groups gnomAD compares: Non-Finnish European, 0.000085%; no homozygotes.

Submissions (4):

Labcorp Genetics (formerly Invitae), Labcorp
Classification: Likely pathogenic. Last evaluated: 2025-02-27. Review status: criteria provided, single submitter. Criteria: Invitae Variant Classification Sherloc (09022015). Collection method: clinical testing. Allele origin: germline.
Comment: This sequence change replaces leucine, which is neutral and non-polar, with proline, which is neutral and non-polar, at codon 1250 of the ABCA4 protein (p.Leu1250Pro). This variant is not present in population databases (gnomAD no frequency). This missense change has been observed in individual(s) with Stargardt disease (PMID: 11328725; internal data). ClinVar contains an entry for this variant (Variation ID: 99237). Invitae Evidence Modeling of protein sequence and biophysical properties (such as structural, functional, and spatial information, amino acid conservation, physicochemical variation, residue mobility, and thermodynamic stability) indicates that this missense variant is expected to disrupt ABCA4 protein function with a positive predictive value of 95%. In summary, the currently available evidence indicates that the variant is pathogenic, but additional data are needed to prove that conclusively. Therefore, this variant has been classified as Likely Pathogenic.

Lab De Baere, Eye and Developmental Genetics Lab, Ghent University
Classification: Likely pathogenic for Retinitis pigmentosa. Last evaluated: 2024-10-01. Review status: criteria provided, single submitter. Criteria: ACMG Guidelines, 2015. Collection method: research. Allele origin: inherited. Affected: yes. Observed: 1 variant allele.
Comment: ACMG/AMP guidelines: PM2, PP4_PP, PP3, PM3_1

Blueprint Genetics
Classification: Pathogenic for ABCA4-related disorders. Last evaluated: 2024-03-05. Review status: criteria provided, single submitter. Criteria: ACMG Guidelines, 2015. Collection method: clinical testing. Allele origin: germline. Affected: yes. Observed: 5 variant alleles.

Retina International
No classification provided. Review status: no classification provided. Collection method: not provided. Allele origin: not provided. Not counted in ClinVar's aggregate classification.

Literature cited by the submitters: PubMed 11328725 (cited by Labcorp Genetics (formerly Invitae), Labcorp).